The following is an entry in ClinVar:

ClinVar aggregate classification (germline): Likely benign. Review status: criteria provided, multiple submitters, no conflicts (2 of 4 stars). 5 submissions from 5 submitters: Likely benign (5). Last evaluated 2026-09-08.

Conditions:
Fabry disease. Also called: HEREDITARY DYSTOPIC LIPIDOSIS; Ceramide trihexosidosis; Fabry's disease; Angiokeratoma corporis diffusum; ALPHA-GALACTOSIDASE A DEFICIENCY; ANDERSON-FABRY DISEASE. Identifiers: Orphanet 324, MedGen C0002986, MONDO:0010526, OMIM 301500, HP:0001071. Disease mechanism: Fabry disease is due to inactivating mutations in the X-linked GLA gene resulting in deficiency of the enzyme Alpha Galactosidase-A., loss of function.

Allele frequency attached by ClinVar (database versions not stated): TOPMed below 0.00001; gnomAD 0.00001; gnomAD exomes 0.00001; ExAC 0.00002.
gnomAD v4.1: 11 of 1,210,218 alleles (0.00091%); highest among the groups gnomAD compares: East Asian, 0.03%; no homozygotes.

Submissions (5):

Genomenon, Inc
Classification: Likely benign for Fabry disease. Last evaluated: 2026-09-08. Review status: criteria provided, single submitter. Criteria: Genomenon Sequence Variant Interpretation Standards - Updated. Collection method: curation. Allele origin: germline. Affected: no.
Comment: GLA c.345T>C is a synonymous variant that retains Histidine at codon 115. This variant has been reported in the published literature (PMID:32843101). It is absent or not present at a significant frequency in gnomAD. This variant is not predicted to impact splicing. In conclusion, we classify GLA p.His115= (c.345T>C) as a likely benign variant.

Labcorp Genetics (formerly Invitae), Labcorp
Classification: Likely benign for Fabry disease. Last evaluated: 2025-06-27. Review status: criteria provided, single submitter. Criteria: Invitae Variant Classification Sherloc (09022015). Collection method: clinical testing. Allele origin: germline.

Blueprint Genetics
Classification: Likely benign. Last evaluated: 2022-07-27. Review status: criteria provided, single submitter. Criteria: ACMG Guidelines, 2015. Collection method: clinical testing. Allele origin: germline.

Color Diagnostics, LLC DBA Color Health
Classification: Likely benign for Fabry disease. Last evaluated: 2019-08-14. Review status: criteria provided, single submitter. Criteria: ACMG Guidelines, 2015. Collection method: clinical testing. Allele origin: germline.

GeneDx
Classification: Likely benign. Last evaluated: 2016-05-16. Review status: criteria provided, single submitter. Criteria: GeneDx Variant Classification (06012015). Collection method: clinical testing. Allele origin: germline. Affected: yes.
Comment: This variant is considered likely benign or benign based on one or more of the following criteria: it is a conservative change, it occurs at a poorly conserved position in the protein, it is predicted to be benign by multiple in silico algorithms, and/or has population frequency not consistent with disease.

Literature cited by the submitters: PubMed 32843101 (cited by Genomenon, Inc).

NM_000169.3(GLA):c.345T>C (p.His115=)

Genes: GLA (galactosidase alpha; minus strand), RPL36A-HNRNPH2 (RPL36A-HNRNPH2 readthrough; plus strand). Cytogenetic location: Xq22.1.
Variant type: single nucleotide variant.
Coding change: c.345T>C on transcript NM_000169.3 (MANE Select); coding-DNA position 345, T replaced by C.
Protein change: p.His115=; no amino-acid change (histidine 115 retained).
Molecular consequence: synonymous variant. On other transcripts: non-coding transcript variant (3), intron variant (2).
Genome position (GRCh38, 1-based): chrX:101,403,835, A>G on the plus strand (T>C on the coding strand, the complement: GLA is on the minus strand). VCF-style: chrX-101403835-A-G. GRCh37 (hg19) VCF-style: chrX-100658823-A-G.
Other names: c.468T>C, p.His156= (NM_001406747.1, NM_001406749.1); c.345T>C, p.His115= (NM_001406748.1); c.301-8101A>G (NM_001199973.2); c.178-8101A>G (NM_001199974.2).
Identifiers: ClinVar variation 386328 (VCV000386328.14), dbSNP rs782260908, ClinGen allele CA030608.